The following is an entry in ClinVar:

NM_000372.5(TYR):c.680G>A (p.Gly227Glu)

Gene: TYR (tyrosinase; plus strand). Cytogenetic location: 11q14.3.
Variant type: single nucleotide variant.
Coding change: c.680G>A on transcript NM_000372.5 (MANE Select); coding-DNA position 680, G replaced by A.
Protein change: p.Gly227Glu; replaces glycine 227 with glutamic acid.
Molecular consequence: missense variant.
Genome position (GRCh38, 1-based): chr11:89,178,633, G>A. VCF-style: chr11-89178633-G-A. GRCh37 (hg19) VCF-style: chr11-88911801-G-A.
Other names: short protein forms G227E.
Identifiers: ClinVar variation 1998340 (VCV001998340.1), dbSNP rs770276552, ClinGen allele CA6221169.
Genomic context (GRCh38, chr11:89,178,633, plus strand): 5'-TTCTGCCTTGGCATAGACTCTTCTTGTTGCGGTGGGAACAAGAAATCCAGAAGCTGACAG[G>A]AGATGAAAACTTCACTATTCCATATTGGGACTGGCGGGATGCAGAAAAGTGTGACATTTG-3'
Protein context (NP_000363.1, residues 217-237): RWEQEIQKLT[Gly227Glu]DENFTIPYWD

ClinVar aggregate classification (germline): Uncertain significance (1 of 4 stars; one submission).

Allele frequency attached by ClinVar (database versions not stated): gnomAD exomes below 0.00001; ExAC 0.00001.
gnomAD v4.1: 3 of 1,612,584 alleles (0.00019%); highest among the groups gnomAD compares: East Asian, 0.0022%; no homozygotes.

Submission:

Labcorp Genetics (formerly Invitae), Labcorp
Classification: Uncertain significance. Last evaluated: 2022-07-12. Review status: criteria provided, single submitter. Criteria: Invitae Variant Classification Sherloc (09022015). Collection method: clinical testing. Allele origin: germline.
Comment: This sequence change replaces glycine, which is neutral and non-polar, with glutamic acid, which is acidic and polar, at codon 227 of the TYR protein (p.Gly227Glu). This variant is present in population databases (rs770276552, gnomAD 0.006%). This variant has not been reported in the literature in individuals affected with TYR-related conditions. Advanced modeling of protein sequence and biophysical properties (such as structural, functional, and spatial information, amino acid conservation, physicochemical variation, residue mobility, and thermodynamic stability) performed at Invitae indicates that this missense variant is expected to disrupt TYR protein function. In summary, the available evidence is currently insufficient to determine the role of this variant in disease. Therefore, it has been classified as a Variant of Uncertain Significance.